The following is an entry in ClinVar:

NM_021224.6(ZNF462):c.4816G>A (p.Asp1606Asn)

Gene: ZNF462 (zinc finger protein 462; plus strand). Cytogenetic location: 9q31.2.
Variant type: single nucleotide variant.
Coding change: c.4816G>A on transcript NM_021224.6 (MANE Select); coding-DNA position 4816, G replaced by A.
Protein change: p.Asp1606Asn; replaces aspartic acid 1606 with asparagine.
Molecular consequence: missense variant. On other transcripts: intron variant (1).
Genome position (GRCh38, 1-based): chr9:106,928,728, G>A. VCF-style: chr9-106928728-G-A. GRCh37 (hg19) VCF-style: chr9-109691009-G-A.
Other names: c.3252+1564G>A (NM_001347997.2); short protein forms D1606N.
Identifiers: ClinVar variation 2325006 (VCV002325006.2), dbSNP rs1830304223, ClinGen allele CA374412124.

ClinVar aggregate classification (germline): Uncertain significance (1 of 4 stars; one submission).

Conditions:
Inborn genetic diseases. Identifiers: MedGen C0950123, MeSH D030342.

Allele frequency attached by ClinVar (database versions not stated): gnomAD exomes 0.00002.
gnomAD v4.1: 28 of 1,614,108 alleles (0.0017%); highest among the groups gnomAD compares: Non-Finnish European, 0.0024%; no homozygotes.

Submission:

Ambry Genetics
Classification: Uncertain significance for Inborn genetic diseases. Last evaluated: 2022-11-09. Review status: criteria provided, single submitter. Criteria: Ambry Variant Classification Scheme 2023. Collection method: clinical testing. Allele origin: germline.
Comment: The c.4816G>A (p.D1606N) alteration is located in exon 3 (coding exon 2) of the ZNF462 gene. This alteration results from a G to A substitution at nucleotide position 4816, causing the aspartic acid (D) at amino acid position 1606 to be replaced by an asparagine (N). This variant was not reported in population-based cohorts in the Genome Aggregation Database (gnomAD). This amino acid position is well conserved in available vertebrate species. This alteration is predicted to be tolerated by in silico analysis. Based on insufficient or conflicting evidence, the clinical significance of this alteration remains unclear.